The following is an entry in ClinVar:

ClinVar aggregate classification (germline): Uncertain significance. Review status: criteria provided, multiple submitters, no conflicts (2 of 4 stars). 3 submissions from 3 submitters: Uncertain significance (3). Last evaluated 2025-01-29.

Conditions:
Inborn genetic diseases. Identifiers: MedGen C0950123, MeSH D030342.
Cognitive impairment - coarse facies - heart defects - obesity - pulmonary involvement - short stature - skeletal dysplasia syndrome. Also called: AFF4-Related CHOPS Syndrome; COGNITIVE IMPAIRMENT, COARSE FACIES, HEART DEFECTS, OBESITY, PULMONARY INVOLVEMENT, SHORT STATURE, AND SKELETAL DYSPLASIA; Chops syndrome. Identifiers: Orphanet 444077, MedGen C4085597, MONDO:0014609, OMIM 616368.
AFF4-related disorder. Also called: AFF4-related condition.

Allele frequency attached by ClinVar (database versions not stated): TOPMed below 0.00001; ESP Exome Variant Server 0.00008.
gnomAD v4.1: 7 of 1,611,158 alleles (0.00043%); highest among the groups gnomAD compares: Non-Finnish European, 0.00051%; no homozygotes.

Submissions (3):

PreventionGenetics, part of Exact Sciences
Classification: Uncertain significance for AFF4-related condition. Last evaluated: 2025-01-29. Review status: criteria provided, single submitter. Criteria: ACMG Guidelines, 2015. Collection method: clinical testing. Allele origin: germline.
Comment: The AFF4 c.995C>T variant is predicted to result in the amino acid substitution p.Thr332Met. To our knowledge, this variant has not been reported in the literature or in a large population database, indicating this variant is rare. At this time, the clinical significance of this variant is uncertain due to the absence of conclusive functional and genetic evidence.

Labcorp Genetics (formerly Invitae), Labcorp
Classification: Uncertain significance for Cognitive impairment - coarse facies - heart defects - obesity - pulmonary involvement - short stature - skeletal dysplasia syndrome. Last evaluated: 2024-12-05. Review status: criteria provided, single submitter. Criteria: Invitae Variant Classification Sherloc (09022015). Collection method: clinical testing. Allele origin: germline.
Comment: This sequence change replaces threonine, which is neutral and polar, with methionine, which is neutral and non-polar, at codon 332 of the AFF4 protein (p.Thr332Met). This variant is not present in population databases (gnomAD no frequency). This variant has not been reported in the literature in individuals affected with AFF4-related conditions. ClinVar contains an entry for this variant (Variation ID: 2298537). Invitae Evidence Modeling of protein sequence and biophysical properties (such as structural, functional, and spatial information, amino acid conservation, physicochemical variation, residue mobility, and thermodynamic stability) indicates that this missense variant is expected to disrupt AFF4 protein function with a positive predictive value of 80%. In summary, the available evidence is currently insufficient to determine the role of this variant in disease. Therefore, it has been classified as a Variant of Uncertain Significance.

Ambry Genetics
Classification: Uncertain significance for Inborn genetic diseases. Last evaluated: 2024-11-10. Review status: criteria provided, single submitter. Criteria: Ambry Variant Classification Scheme 2023. Collection method: clinical testing. Allele origin: germline.

NM_014423.4(AFF4):c.995C>T (p.Thr332Met)

Gene: AFF4 (ALF transcription elongation factor 4; minus strand). Cytogenetic location: 5q31.1.
Variant type: single nucleotide variant.
Coding change: c.995C>T on transcript NM_014423.4 (MANE Select); coding-DNA position 995, C replaced by T.
Protein change: p.Thr332Met; replaces threonine 332 with methionine.
Molecular consequence: missense variant.
Genome position (GRCh38, 1-based): chr5:132,927,176, G>A on the plus strand (C>T on the coding strand, the complement: AFF4 is on the minus strand). VCF-style: chr5-132927176-G-A. GRCh37 (hg19) VCF-style: chr5-132262868-G-A.
Other names: short protein forms T332M.
Identifiers: ClinVar variation 2298537 (VCV002298537.7), dbSNP rs377650855, ClinGen allele CA127292518.